The following is an entry in ClinVar:

NM_024426.6(WT1):c.1499G>A (p.Arg500Gln)

Gene: WT1 (WT1 transcription factor; minus strand). Cytogenetic location: 11p13.
Variant type: single nucleotide variant.
Coding change: c.1499G>A on transcript NM_024426.6 (MANE Select); coding-DNA position 1499, G replaced by A.
Protein change: p.Arg500Gln; replaces arginine 500 with glutamine.
Molecular consequence: missense variant. On other transcripts: non-coding transcript variant (1).
Genome position (GRCh38, 1-based): chr11:32,389,128, C>T on the plus strand (G>A on the coding strand, the complement: WT1 is on the minus strand). VCF-style: chr11-32389128-C-T. GRCh37 (hg19) VCF-style: chr11-32410674-C-T.
Other names: c.1439G>A, p.Arg480Gln (NM_000378.6); c.839G>A, p.Arg280Gln (NM_001198551.2); c.797G>A, p.Arg266Gln (NM_001198552.2); c.311G>A, p.Arg104Gln (NM_001367854.1); c.1484G>A, p.Arg495Gln (NM_001407044.1); c.1448G>A, p.Arg483Gln (NM_001407045.1); c.1406G>A, p.Arg469Gln (NM_001407046.1); c.1367G>A, p.Arg456Gln (NM_001407047.1); and 6 more; short protein forms R480Q, R497Q, R280Q, R104Q, R266Q, R500Q, R442Q, R483Q.
Identifiers: ClinVar variation 664113 (VCV000664113.13), dbSNP rs1590326226, ClinGen allele CA379957654.

ClinVar aggregate classification (germline): Pathogenic. Review status: criteria provided, multiple submitters, no conflicts (2 of 4 stars). 4 submissions from 4 submitters: Pathogenic (3). 1 of the submissions does not count toward it. Last evaluated 2025-03-05.

Conditions:
Drash syndrome (DDS). Also called: WILMS TUMOR AND PSEUDO- OR TRUE HERMAPHRODITISM; NEPHROPATHY, WILMS TUMOR, AND GENITAL ANOMALIES. Identifiers: Orphanet 220, MedGen C0950121, MONDO:0008682, OMIM 194080.
WT1-related disorder. Also called: WT1-related disorders. Identifiers: MedGen CN377814.
Wilms tumor 1 (WT1). Also called: Wilms tumor, somatic. Identifiers: Orphanet 654, MedGen CN033288, MONDO:0008679, OMIM 194070.
11p partial monosomy syndrome (WAGR). Also called: WAGR Spectrum Disorder; CHROMOSOME 11p13 DELETION SYNDROME; WAGR Complex; WAGR syndrome. Identifiers: Orphanet 893, MedGen C0206115, MONDO:0008681, OMIM 194072.
Frasier syndrome. Identifiers: Orphanet 347, MedGen C0950122, MeSH D052159, MONDO:0007635, OMIM 136680.
Nephrotic syndrome, type 4 (NPHS4). Also called: Familial mesangial sclerosis; Nephrotic syndrome, early onset with diffuse mesangial sclerosis. Identifiers: Orphanet 656, MedGen C3151568, MONDO:0009733, OMIM 256370.

Submissions (4):

3billion
Classification: Pathogenic for WT1-related disorder. Last evaluated: 2025-03-05. Review status: criteria provided, single submitter. Criteria: ACMG Guidelines, 2015. Collection method: clinical testing. Allele origin: germline. Affected: yes.
Comment: The variant is not observed in the gnomAD v4.1.0 dataset. Predicted Consequence/Location: Missense variant In silico tool predictions suggest damaging effect of the variant on gene or gene product [REVEL: 0.41 (>=0.6, sensitivity 0.68 and specificity 0.92); 3Cnet: 0.99 (> 0.75, sensitivity 0.96 and precision 0.92)]. The same nucleotide change resulting in the same amino acid change has been previously reported as pathogenic/likely pathogenic with strong evidence (ClinVar ID: VCV000664113 / PMID: 32493750). The variant has been previously reported as de novo in a similarly affected individual (PMID: 32493750). Different missense changes at the same codon (p.Arg500Gly, p.Arg500Leu, p.Arg500Trp) have been reported as pathogenic/likely pathogenic with strong evidence (ClinVar ID: VCV002505271, VCV003256922 / PMID: 32493750). Therefore, this variant is classified as Pathogenic according to the recommendation of ACMG/AMP guideline.

Labcorp Genetics (formerly Invitae), Labcorp
Classification: Pathogenic for Wilms tumor 1; Drash syndrome; 11p partial monosomy syndrome; Frasier syndrome. Last evaluated: 2025-02-10. Review status: criteria provided, single submitter. Criteria: Invitae Variant Classification Sherloc (09022015). Collection method: clinical testing. Allele origin: germline.
Comment: This sequence change replaces arginine, which is basic and polar, with glutamine, which is neutral and polar, at codon 495 of the WT1 protein (p.Arg495Gln). This variant is not present in population databases (gnomAD no frequency). This missense change has been observed in individual(s) with clinical features of WT1-related conditions (PMID: 32493750; internal data). In at least one individual the variant was observed to be de novo. ClinVar contains an entry for this variant (Variation ID: 664113). Invitae Evidence Modeling of protein sequence and biophysical properties (such as structural, functional, and spatial information, amino acid conservation, physicochemical variation, residue mobility, and thermodynamic stability) indicates that this missense variant is expected to disrupt WT1 protein function with a positive predictive value of 95%. For these reasons, this variant has been classified as Pathogenic.

Victorian Clinical Genetics Services, Murdoch Childrens Research Institute
Classification: Pathogenic for Nephrotic syndrome, type 4. Last evaluated: 2023-07-17. Review status: criteria provided, single submitter. Criteria: ACMG Guidelines, 2015. Collection method: clinical testing. Allele origin: germline. Inheritance: Autosomal dominant inheritance. Affected: yes.
Comment: Based on the classification scheme VCGS_Germline_v1.3.4, this variant is classified as Pathogenic. Following criteria are met: 0103 - Dominant negative is a known mechanism of disease in this gene and is associated with Denys-Drash syndrome (MIM#194080); Frasier syndrome (MIM#136680); Meacham syndrome (MIM#608978) and Nephrotic syndrome, type 4 (MIM#256370) (GeneReviews). Loss of function is a known mechanism of disease in this gene and is associated with Wilms tumour, type 1 (MIM#194070). (I) 0107 - This gene is associated with autosomal dominant disease. (I) 0200 - Variant is predicted to result in a missense amino acid change from arginine to glutamine. (I) 0251 - This variant is heterozygous. (I) 0301 - Variant is absent from gnomAD (both v2 and v3). (SP) 0502 - Missense variant with conflicting in silico predictions and high conservation. (I) 0601 - Variant is located in the Zinc finger 4 domain (NCBI, PMID: 32493750). (SP) 0703 - Another variant comparable to the one identified in this case has strong previous evidence for pathogenicity. p.(Arg495Gly) has been reported de novo in two individuals, one with differences of sex development (PMID: 32493750), and one with isolated congenital diaphragmatic hernia (PMID: 32719394). (SP) 0801 - This variant has strong previous evidence of pathogenicity in unrelated individuals. It has been reported de novo in at least three probands with differences of sex development (PMID: 32493750); and an individual with focal segmental glomerulosclerosis (FSGS) (this diagnostic laboratory classified the variant as a VUS in ClinVar. (SP) 1007 - No published functional evidence has been identified for this variant. (SP) Legend: (SP) - Supporting pathogenic, (I) - Information, (SB) - Supporting benign

Seattle Children's Hospital Molecular Genetics Laboratory, Seattle Children's Hospital
Classification: Pathogenic for Drash syndrome. Review status: no assertion criteria provided. Collection method: clinical testing. Allele origin: germline. Affected: yes. Not counted in ClinVar's aggregate classification.

Literature cited by the submitters: PubMed 32493750 (cited by 3 submitters); PubMed 32719394 (cited by Victorian Clinical Genetics Services, Murdoch Childrens Research Institute).